The following is an entry in ClinVar:

ClinVar aggregate classification (germline): Uncertain significance. Review status: criteria provided, multiple submitters, no conflicts (2 of 4 stars). 2 submissions from 2 submitters: Uncertain significance (2). Last evaluated 2026-03-03.

Submissions (2):

Women's Health and Genetics/Laboratory Corporation of America, LabCorp
Classification: Uncertain significance. Last evaluated: 2026-03-03. Review status: criteria provided, single submitter. Criteria: LabCorp Variant Classification Summary - May 2015. Collection method: clinical testing. Allele origin: germline.

Labcorp Genetics (formerly Invitae), Labcorp
Classification: Uncertain significance. Last evaluated: 2025-09-02. Review status: criteria provided, single submitter. Criteria: Invitae Variant Classification Sherloc (09022015). Collection method: clinical testing. Allele origin: germline.
Comment: This sequence change falls in intron 37 of the COL7A1 gene. It does not directly change the encoded amino acid sequence of the COL7A1 protein. It affects a nucleotide within the consensus splice site. This variant is present in population databases (rs778442431, gnomAD 0.003%). This variant has not been reported in the literature in individuals affected with COL7A1-related conditions. ClinVar contains an entry for this variant (Variation ID: 1962730). Variants that disrupt the consensus splice site are a relatively common cause of aberrant splicing (PMID: 17576681, 9536098). Algorithms developed to predict the effect of sequence changes on RNA splicing suggest that this variant may disrupt the consensus splice site. In summary, the available evidence is currently insufficient to determine the role of this variant in disease. Therefore, it has been classified as a Variant of Uncertain Significance.

Literature cited by the submitters: PubMed 17576681 (cited by Labcorp Genetics (formerly Invitae), Labcorp); PubMed 9536098 (cited by Labcorp Genetics (formerly Invitae), Labcorp).

NM_000094.4(COL7A1):c.4224+3_4224+6del

Gene: COL7A1 (collagen type VII alpha 1 chain; minus strand). Cytogenetic location: 3p21.31.
Variant type: Deletion.
Coding change: c.4224+3_4224+6del on transcript NM_000094.4 (MANE Select); bases 3 to 6 of the intron after coding-DNA position 4224, 4 bases deleted (AAGT; older notation c.4224+3_4224+6delAAGT).
Molecular consequence: splice donor variant.
Genome position (GRCh38, 1-based): chr3:48,584,029-48,584,032, ACTT deleted on the plus strand (AAGT on the coding strand, the reverse complement: COL7A1 is on the minus strand); deleting any 4 consecutive bases within chr3:48,584,029-48,584,034 gives the same sequence; the c. name uses the placement nearest the transcript's 3' end. VCF-style (leftmost placement, unchanged base first): chr3-48584028-CACTT-C. GRCh37 (hg19) VCF-style: chr3-48621461-CACTT-C.
Other names: c.4224+3_4224+6delAAGT (NM_000094.4).
Identifiers: ClinVar variation 1962730 (VCV001962730.5), dbSNP rs778442431, ClinGen allele CA2380159.
Genomic context (GRCh38, chr3:48,584,028, plus strand): 5'-CAGGTCAGGGAATGAACAGGGGAATCAGACTCCAAGCCACCCCTAGCACAACCTGTCCCT[CACTT>C]ACCCGCTCCCCACGATCGCCTTTGTCACCCTAGAAAACAGATGACGACCCCATGACCCTG-3'